The following is an entry in ClinVar:

NM_005477.3(HCN4):c.553G>A (p.Asp185Asn)

Gene: HCN4 (hyperpolarization activated cyclic nucleotide gated potassium channel 4; minus strand). Cytogenetic location: 15q24.1.
Variant type: single nucleotide variant.
Coding change: c.553G>A on transcript NM_005477.3 (MANE Select); coding-DNA position 553, G replaced by A.
Protein change: p.Asp185Asn; replaces aspartic acid 185 with asparagine.
Molecular consequence: missense variant.
Genome position (GRCh38, 1-based): chr15:73,367,718, C>T on the plus strand (G>A on the coding strand, the complement: HCN4 is on the minus strand). VCF-style: chr15-73367718-C-T. GRCh37 (hg19) VCF-style: chr15-73660059-C-T.
Other names: short protein forms D185N.
Identifiers: ClinVar variation 3667327 (VCV003667327.2).

ClinVar aggregate classification (germline): Uncertain significance (1 of 4 stars; one submission).

Conditions:
Brugada syndrome 8 (BRGDA8). Identifiers: Orphanet 130, MedGen C2751083, MONDO:0013148, OMIM 613123.

Submission:

Labcorp Genetics (formerly Invitae), Labcorp
Classification: Uncertain significance for Brugada syndrome 8. Last evaluated: 2024-06-22. Review status: criteria provided, single submitter. Criteria: Invitae Variant Classification Sherloc (09022015). Collection method: clinical testing. Allele origin: germline.
Comment: This sequence change replaces aspartic acid, which is acidic and polar, with asparagine, which is neutral and polar, at codon 185 of the HCN4 protein (p.Asp185Asn). This variant is not present in population databases (gnomAD no frequency). This variant has not been reported in the literature in individuals affected with HCN4-related conditions. Advanced modeling of protein sequence and biophysical properties (such as structural, functional, and spatial information, amino acid conservation, physicochemical variation, residue mobility, and thermodynamic stability) performed at Invitae indicates that this missense variant is not expected to disrupt HCN4 protein function with a negative predictive value of 95%. In summary, the available evidence is currently insufficient to determine the role of this variant in disease. Therefore, it has been classified as a Variant of Uncertain Significance.